The following is an entry in ClinVar:

ClinVar aggregate classification (germline): Conflicting classifications of pathogenicity. Review status: criteria provided, conflicting classifications (1 of 4 stars). 6 submissions from 1 submitter: Uncertain significance (1); Benign (5). Last evaluated 2018-01-13.

Conditions:
11p partial monosomy syndrome (WAGR). Also called: CHROMOSOME 11p13 DELETION SYNDROME; WAGR syndrome; WAGR Complex; WAGR Spectrum Disorder. Identifiers: Orphanet 893, MedGen C0206115, MONDO:0008681, OMIM 194072.
carboxymethyl-dextran-A2-gadolinium-DOTA.
Autosomal dominant keratitis. Also called: Keratitis, hereditary. Identifiers: Orphanet 2334, MedGen C1835698, MONDO:0007848, OMIM 148190.
Anophthalmia-microphthalmia syndrome. Also called: Anophthalmia/Microphthalmia; Anophthalmia - microphthalmia. Identifiers: Orphanet 98555, MedGen C5680330, MONDO:0020147.
Foveal hypoplasia 1. Also called: FOVEAL HYPOPLASIA 1 WITH OR WITHOUT ANTERIOR SEGMENT ANOMALIES AND/OR CATARACT; FOVEAL HYPOPLASIA 1 WITH ANTERIOR SEGMENT ANOMALIES. Identifiers: Orphanet 2253, MedGen C3805604, MONDO:0007628, OMIM 136520.
Aniridia 1 (AN1). Identifiers: Orphanet 250923, MedGen C0344542, MONDO:0024507, OMIM 106210.

Allele frequency attached by ClinVar (database versions not stated): gnomAD 0.00002 and 0.00009; TOPMed 0.00003; gnomAD exomes 0.00006; 1000 Genomes Project 30x 0.00047; 1000 Genomes Project 0.00060.

Submissions (6):

Illumina Laboratory Services, Illumina
Classification: Benign for Aniridia 1. Last evaluated: 2018-01-13. Review status: criteria provided, single submitter. Criteria: ICSL Variant Classification Criteria 13 December 2019. Collection method: clinical testing. Allele origin: germline.
Comment: This variant was observed in the ICSL laboratory as part of a predisposition screen in an ostensibly healthy population. It had not been previously curated by ICSL or reported in the Human Gene Mutation Database (HGMD: prior to June 1st, 2018), and was therefore a candidate for classification through an automated scoring system. Utilizing variant allele frequency, disease prevalence and penetrance estimates, and inheritance mode, an automated score was calculated to assess if this variant is too frequent to cause the disease. Based on the score and internal cut-off values, a variant classified as benign is not then subjected to further curation. The score for this variant resulted in a classification of benign for this disease.

Illumina Laboratory Services, Illumina
Classification: Uncertain significance for Anophthalmia-microphthalmia syndrome. Last evaluated: 2018-01-13. Review status: criteria provided, single submitter. Criteria: ICSL Variant Classification Criteria 13 December 2019. Collection method: clinical testing. Allele origin: germline.

Illumina Laboratory Services, Illumina
Classification: Benign for Foveal hypoplasia 1. Last evaluated: 2018-01-13. Review status: criteria provided, single submitter. Criteria: ICSL Variant Classification Criteria 13 December 2019. Collection method: clinical testing. Allele origin: germline.
Comment: the same text as in the submission from Illumina Laboratory Services, Illumina above.

Illumina Laboratory Services, Illumina
Classification: Benign for Autosomal dominant keratitis. Last evaluated: 2018-01-13. Review status: criteria provided, single submitter. Criteria: ICSL Variant Classification Criteria 13 December 2019. Collection method: clinical testing. Allele origin: germline.
Comment: the same text as in the submission from Illumina Laboratory Services, Illumina above.

Illumina Laboratory Services, Illumina
Classification: Benign for Wilms tumor, aniridia, genitourinary anomalies, and mental retardation syndrome. Last evaluated: 2018-01-13. Review status: criteria provided, single submitter. Criteria: ICSL Variant Classification Criteria 13 December 2019. Collection method: clinical testing. Allele origin: germline.
Comment: the same text as in the submission from Illumina Laboratory Services, Illumina above.

Illumina Laboratory Services, Illumina
Classification: Benign for carboxymethyl-dextran-A2-gadolinium-DOTA. Last evaluated: 2018-01-13. Review status: criteria provided, single submitter. Criteria: ICSL Variant Classification Criteria 13 December 2019. Collection method: clinical testing. Allele origin: germline.
Comment: the same text as in the submission from Illumina Laboratory Services, Illumina above.

NM_001368894.2(PAX6):c.-316-8C>G

Genes: PAX6 (paired box 6; minus strand), LOC106014249 (PAX6 upstream regulatory region; plus strand). Cytogenetic location: 11p13.
Variant type: single nucleotide variant.
Coding change: c.-316-8C>G on transcript NM_001368894.2 (MANE Select); 8 bases into the intron before 316 bases upstream of the start codon, C replaced by G.
Molecular consequence: intron variant. On other transcripts: 5 prime UTR variant (12), non-coding transcript variant (1).
Genome position (GRCh38, 1-based): chr11:31,811,023, G>C on the plus strand (C>G on the coding strand, the complement: PAX6 is on the minus strand). VCF-style: chr11-31811023-G-C. GRCh37 (hg19) VCF-style: chr11-31832571-G-C.
Other names: c.-324C>G (NM_001258465.3, NM_001368892.2, NM_001368913.2 and 5 more transcripts); c.-601C>G (NM_001368904.2); c.-1105C>G (NM_001368905.2); c.-463C>G (NM_001368909.2); c.-183C>G (NM_001368911.2); c.-316-8C>G (NM_001127612.3, NM_001368921.2, NM_001368923.2 and 17 more transcripts); c.-288-8C>G (NM_001368893.2); c.-216-8C>G (NM_001368910.2).
Identifiers: ClinVar variation 304365 (VCV000304365.7), dbSNP rs566281941, ClinGen allele CA10630746.
Genomic context (GRCh38, chr11:31,811,023, plus strand): 5'-AGTTTTCTCCACGGATGTTGCTGGGTTGGTGTGTGAGAGCAATTCTCAGATTCCTGGGAA[G>C]GAGACAGAGATTGACAATAAAATGGGCTGTCAGCGGCTGGAGAGTGAGAGATAAAGAGTG-3'